The following is an entry in ClinVar:

ClinVar aggregate classification (germline): Uncertain significance (1 of 4 stars; one submission).

gnomAD v4.1: 25 of 1,612,708 alleles (0.0016%); highest among the groups gnomAD compares: Non-Finnish European, 0.002%; no homozygotes.

Submission:

GeneDx
Classification: Uncertain significance. Last evaluated: 2024-01-04. Review status: criteria provided, single submitter. Criteria: GeneDx Variant Classification Process June 2021. Collection method: clinical testing. Allele origin: germline. Affected: yes.
Comment: Not observed at significant frequency in large population cohorts (gnomAD); In silico analysis supports that this missense variant has a deleterious effect on protein structure/function; Has not been previously published as pathogenic or benign to our knowledge

NM_016239.4(MYO15A):c.3861T>A (p.Asn1287Lys)

Gene: MYO15A (myosin XVA; plus strand). Cytogenetic location: 17p11.2.
Variant type: single nucleotide variant.
Coding change: c.3861T>A on transcript NM_016239.4 (MANE Select); coding-DNA position 3861, T replaced by A.
Protein change: p.Asn1287Lys; replaces asparagine 1287 with lysine.
Molecular consequence: missense variant.
Genome position (GRCh38, 1-based): chr17:18,126,451, T>A. VCF-style: chr17-18126451-T-A. GRCh37 (hg19) VCF-style: chr17-18029765-T-A.
Other names: short protein forms N1287K.
Identifiers: ClinVar variation 3367496 (VCV003367496.1).